The following is an entry in ClinVar:

NM_000038.6(APC):c.1126A>G (p.Ser376Gly)

Gene: APC (APC regulator of Wnt signaling pathway; plus strand). Cytogenetic location: 5q22.2.
Variant type: single nucleotide variant.
Coding change: c.1126A>G on transcript NM_000038.6 (MANE Select); coding-DNA position 1126, A replaced by G.
Protein change: p.Ser376Gly; replaces serine 376 with glycine.
Molecular consequence: missense variant. On other transcripts: intron variant (4).
Genome position (GRCh38, 1-based): chr5:112,819,158, A>G. VCF-style: chr5-112819158-A-G. GRCh37 (hg19) VCF-style: chr5-112154855-A-G.
Other names: c.1126A>G, p.Ser376Gly (NM_001127510.3, NM_001354895.2, NM_001354896.2); c.1072A>G, p.Ser358Gly (NM_001127511.3); c.1156A>G, p.Ser386Gly (NM_001354897.2); c.1051A>G, p.Ser351Gly (NM_001354898.2); c.1042A>G, p.Ser348Gly (NM_001354899.2); c.949A>G, p.Ser317Gly (NM_001354900.2, NM_001354901.2); c.277A>G, p.Ser93Gly (NM_001354906.2); c.964-111A>G (NM_001354902.2); and 3 more; short protein forms S317G, S348G, S351G, S358G, S376G, S386G, S93G.
Identifiers: ClinVar variation 1017709 (VCV001017709.12), dbSNP rs769202767, ClinGen allele CA026773.

ClinVar aggregate classification (germline): Uncertain significance. Review status: criteria provided, multiple submitters, no conflicts (2 of 4 stars). 2 submissions from 2 submitters: Uncertain significance (2). Last evaluated 2020-12-01.

Conditions:
Hereditary cancer-predisposing syndrome. Also called: Tumor predisposition; Neoplastic Syndromes, Hereditary; Hereditary neoplastic syndrome; Hereditary Cancer Syndrome. Identifiers: Orphanet 140162, MedGen C0027672, MeSH D009386, MONDO:0015356.
Familial adenomatous polyposis 1 (FAP1). Also called: POLYPOSIS, ADENOMATOUS INTESTINAL; FAMILIAL ADENOMATOUS POLYPOSIS 1, ATTENUATED. Identifiers: MedGen C2713442, MONDO:0021056, OMIM 175100. Disease mechanism: loss of function.

Allele frequency attached by ClinVar (database versions not stated): gnomAD exomes below 0.00001; TOPMed below 0.00001; ExAC 0.00001; gnomAD 0.00001.
gnomAD v4.1: 4 of 1,613,954 alleles (0.00025%); highest among the groups gnomAD compares: Non-Finnish European, 0.00025%; no homozygotes.

Submissions (2):

Ambry Genetics
Classification: Uncertain significance for Hereditary cancer-predisposing syndrome. Last evaluated: 2020-12-01. Review status: criteria provided, single submitter. Criteria: Ambry Variant Classification Scheme 2023. Collection method: clinical testing. Allele origin: germline.
Comment: The p.S376G variant (also known as c.1126A>G), located in coding exon 9 of the APC gene, results from an A to G substitution at nucleotide position 1126. The serine at codon 376 is replaced by glycine, an amino acid with similar properties. This amino acid position is highly conserved in available vertebrate species. In addition, in silico predictors for this gene do not accurately predict pathogenicity. Since supporting evidence is limited at this time, the clinical significance of this alteration remains unclear.

Labcorp Genetics (formerly Invitae), Labcorp
Classification: Uncertain significance for Familial adenomatous polyposis 1. Last evaluated: 2020-06-12. Review status: criteria provided, single submitter. Criteria: Invitae Variant Classification Sherloc (09022015). Collection method: clinical testing. Allele origin: germline.
Comment: In summary, the available evidence is currently insufficient to determine the role of this variant in disease. Therefore, it has been classified as a Variant of Uncertain Significance. Algorithms developed to predict the effect of missense changes on protein structure and function are either unavailable or do not agree on the potential impact of this missense change (SIFT: "Deleterious"; PolyPhen-2: "Benign"; Align-GVGD: "Class C0"). This variant has not been reported in the literature in individuals with APC-related conditions. This variant is present in population databases (rs769202767, ExAC 0.002%). This sequence change replaces serine with glycine at codon 376 of the APC protein (p.Ser376Gly). The serine residue is highly conserved and there is a small physicochemical difference between serine and glycine.